The following is an entry in ClinVar:

NM_006946.4(SPTBN2):c.3596A>G (p.Glu1199Gly)

Gene: SPTBN2 (spectrin beta, non-erythrocytic 2; minus strand). Cytogenetic location: 11q13.2.
Variant type: single nucleotide variant.
Coding change: c.3596A>G on transcript NM_006946.4 (MANE Select); coding-DNA position 3596, A replaced by G.
Protein change: p.Glu1199Gly; replaces glutamic acid 1199 with glycine.
Molecular consequence: missense variant.
Genome position (GRCh38, 1-based): chr11:66,699,586, T>C on the plus strand (A>G on the coding strand, the complement: SPTBN2 is on the minus strand). VCF-style: chr11-66699586-T-C. GRCh37 (hg19) VCF-style: chr11-66467057-T-C.
Other names: c.3617A>G, p.Glu1206Gly (NM_001411025.1); c.3596A>G, p.Glu1199Gly (NM_001437541.1); short protein forms E1199G, E1206G.
Identifiers: ClinVar variation 4872265 (VCV004872265.2).

ClinVar aggregate classification (germline): Uncertain significance (1 of 4 stars; one submission).

gnomAD v4.1: 18 of 1,613,972 alleles (0.0011%); highest among the groups gnomAD compares: Non-Finnish European, 0.0015%; no homozygotes.

Submission:

CeGaT Center for Human Genetics Tuebingen
Classification: Uncertain significance. Last evaluated: 2026-04-01. Review status: criteria provided, single submitter. Criteria: CeGaT Center For Human Genetics Tuebingen Variant Classification Criteria Version 2. Collection method: clinical testing. Allele origin: germline. Affected: yes. Observed: 1 variant allele.
Comment: SPTBN2: PM2